The following is an entry in ClinVar:

NM_000059.4(BRCA2):c.7007+2097G>T

Gene: BRCA2 (BRCA2 DNA repair associated; plus strand). Cytogenetic location: 13q13.1.
Variant type: single nucleotide variant.
Coding change: c.7007+2097G>T on transcript NM_000059.4 (MANE Select); 2097 bases into the intron after coding-DNA position 7007, G replaced by T.
Molecular consequence: intron variant.
Genome position (GRCh38, 1-based): chr13:32,348,993, G>T. VCF-style: chr13-32348993-G-T. GRCh37 (hg19) VCF-style: chr13-32923130-G-T.
Other names: IVS 13+2097G>T.
Identifiers: ClinVar variation 209728 (VCV000209728.1), dbSNP rs11571690, ClinGen allele CA276696.

ClinVar aggregate classification (germline): Benign (3 of 4 stars; one submission).

Conditions:
Breast-ovarian cancer, familial, susceptibility to, 2 (BROVCA2). Also called: BRCA2 Hereditary Breast and Ovarian Cancer. Identifiers: Orphanet 145, MedGen C2675520, MONDO:0012933, OMIM 612555. Disease mechanism: loss of function.

Allele frequency attached by ClinVar (database versions not stated): gnomAD 0.00731 and 0.00781; TOPMed 0.00806; 1000 Genomes Project 0.00899; 1000 Genomes Project 30x 0.00984.
gnomAD v4.1: 1,093 of 152,208 alleles (0.72%); highest among the groups gnomAD compares: African/African-American, 2.5%; 12 homozygotes.

Submission:

Evidence-based Network for the Interpretation of Germline Mutant Alleles (ENIGMA)
Classification: Benign for Breast-ovarian cancer, familial 2. Last evaluated: 2015-01-12. Review status: reviewed by expert panel. Criteria: ENIGMA BRCA1/2 Classification Criteria (2015). Collection method: curation. Allele origin: germline.
Comment: Class 1 not pathogenic based on frequency >1% in an outbred sampleset. Frequency 0.03252 (African), derived from 1000 genomes (2012-04-30).